The following is an entry in ClinVar:

NM_138694.4(PKHD1):c.217C>T (p.Arg73Trp)

Gene: PKHD1 (PKHD1 ciliary IPT domain containing fibrocystin/polyductin; minus strand). Cytogenetic location: 6p12.2.
Variant type: single nucleotide variant.
Coding change: c.217C>T on transcript NM_138694.4 (MANE Select); coding-DNA position 217, C replaced by T.
Protein change: p.Arg73Trp; replaces arginine 73 with tryptophan.
Molecular consequence: missense variant.
Genome position (GRCh38, 1-based): chr6:52,082,456, G>A on the plus strand (C>T on the coding strand, the complement: PKHD1 is on the minus strand). VCF-style: chr6-52082456-G-A. GRCh37 (hg19) VCF-style: chr6-51947254-G-A.
Other names: c.217C>T, p.Arg73Trp (NM_170724.3); short protein forms R73W.
Identifiers: ClinVar variation 499252 (VCV000499252.37), dbSNP rs567357782, ClinGen allele CA3853992.
Genomic context (GRCh38, chr6:52,082,456, plus strand): 5'-TCCGGCATGTCACCACAGGCAAATCCAAGAAAACAGGAAAGACGTCACAGGGAACACTCC[G>A]CAGTGCGGGCACCACCATGTTCACGTTCACCAGGTGTATCTCCAATTGAGAGCCATTGTT-3'
Protein context (NP_619639.3, residues 63-83): VNVNMVVPAL[Arg73Trp]SVPCDVFPVF

ClinVar aggregate classification (germline): Uncertain significance. Review status: criteria provided, multiple submitters, no conflicts (2 of 4 stars). 6 submissions from 6 submitters: Uncertain significance (4). 2 of the submissions do not count toward it. Last evaluated 2025-01-09.

Conditions:
Autosomal dominant polycystic liver disease. Also called: Congenital cystic disease of liver; Polycystic liver disease. Identifiers: Orphanet 2924, MedGen C0158683, MONDO:0000447, HP:0006557.
Polycystic kidney disease 4 (PKD4). Also called: Autosomal Recessive Polycystic Kidney Disease – PKHD1; PKD3; POLYCYSTIC KIDNEY AND HEPATIC DISEASE 1; POLYCYSTIC KIDNEY DISEASE, INFANTILE, TYPE I; POLYCYSTIC KIDNEY DISEASE 4 WITH OR WITHOUT POLYCYSTIC LIVER DISEASE. Identifiers: MedGen C4540575, MONDO:0033004, OMIM 263200.
Autosomal recessive polycystic kidney disease (ARPKD). Also called: AR polycystic kidney disease. Identifiers: Orphanet 731, Orphanet 8378, MedGen C0085548, MeSH D017044, MONDO:0009889.

Allele frequency attached by ClinVar (database versions not stated): ExAC 0.00004; gnomAD 0.00004 and 0.00005; gnomAD exomes 0.00004; TOPMed 0.00010.
gnomAD v4.1: 52 of 1,613,876 alleles (0.0032%); highest among the groups gnomAD compares: African/African-American, 0.021%; no homozygotes.

Submissions (6):

GeneDx
Classification: Uncertain significance. Last evaluated: 2025-01-09. Review status: criteria provided, single submitter. Criteria: GeneDx Variant Classification Process June 2021. Collection method: clinical testing. Allele origin: germline. Affected: yes.
Comment: In silico analysis supports that this missense variant has a deleterious effect on protein structure/function; Has not been previously published as pathogenic or benign to our knowledge; This variant is associated with the following publications: (PMID: 38778310)

Fulgent Genetics
Classification: Uncertain significance for Polycystic kidney disease 4. Last evaluated: 2024-04-18. Review status: criteria provided, single submitter. Criteria: ACMG Guidelines, 2015. Collection method: clinical testing. Allele origin: germline.

Labcorp Genetics (formerly Invitae), Labcorp
Classification: Uncertain significance for Autosomal recessive polycystic kidney disease. Last evaluated: 2021-09-01. Review status: criteria provided, single submitter. Criteria: Invitae Variant Classification Sherloc (09022015). Collection method: clinical testing. Allele origin: germline.
Comment: This sequence change replaces arginine with tryptophan at codon 73 of the PKHD1 protein (p.Arg73Trp). The arginine residue is weakly conserved and there is a moderate physicochemical difference between arginine and tryptophan. This variant is present in population databases (rs567357782, ExAC 0.02%). This variant has not been reported in the literature in individuals affected with PKHD1-related conditions. ClinVar contains an entry for this variant (Variation ID: 499252). Algorithms developed to predict the effect of missense changes on protein structure and function are either unavailable or do not agree on the potential impact of this missense change (SIFT: "Deleterious"; PolyPhen-2: "Benign"; Align-GVGD: "Class C0"). In summary, the available evidence is currently insufficient to determine the role of this variant in disease. Therefore, it has been classified as a Variant of Uncertain Significance.

Eurofins Ntd Llc (ga)
Classification: Uncertain significance. Last evaluated: 2016-12-14. Review status: criteria provided, single submitter. Criteria: EGL Classification Definitions 2015. Collection method: clinical testing. Allele origin: germline. Observed: 1 variant allele, 1 heterozygote.

Laboratory of Gastroenterology and Hepatology, Radboud University Medical Center
Classification: Uncertain significance for Autosomal dominant polycystic liver disease. Last evaluated: 2021-09-01. Review status: no assertion criteria provided. Collection method: research. Allele origin: germline. Affected: yes. Not counted in ClinVar's aggregate classification.

Natera, Inc.
Classification: Uncertain significance for Autosomal recessive polycystic kidney disease. Last evaluated: 2018-07-24. Review status: no assertion criteria provided. Collection method: clinical testing. Allele origin: germline. Not counted in ClinVar's aggregate classification.